The following is an entry in ClinVar:

NM_016648.4(LARP7):c.65A>T (p.Glu22Val)

Gene: LARP7 (La ribonucleoprotein 7, transcriptional regulator; plus strand). Cytogenetic location: 4q25.
Variant type: single nucleotide variant.
Coding change: c.65A>T on transcript NM_016648.4 (MANE Select); coding-DNA position 65, A replaced by T.
Protein change: p.Glu22Val; replaces glutamic acid 22 with valine.
Molecular consequence: missense variant. On other transcripts: 5 prime UTR variant (2).
Genome position (GRCh38, 1-based): chr4:112,644,734, A>T. VCF-style: chr4-112644734-A-T. GRCh37 (hg19) VCF-style: chr4-113565890-A-T.
Other names: c.65A>T, p.Glu22Val (NM_001267039.4, NM_001370974.1, NM_001370975.1 and 6 more transcripts); c.-70A>T (NM_001370981.1, NM_001370982.1); c.65A>T (NM_016648.2); short protein forms E22V.
Identifiers: ClinVar variation 452712 (VCV000452712.5), dbSNP rs1269618076, ClinGen allele CA357920567.

ClinVar aggregate classification (germline): Uncertain significance. Review status: criteria provided, multiple submitters, no conflicts (2 of 4 stars). 2 submissions from 2 submitters: Uncertain significance (2). Last evaluated 2023-03-29.

Conditions:
Inborn genetic diseases. Identifiers: MedGen C0950123, MeSH D030342.

Allele frequency attached by ClinVar (database versions not stated): gnomAD exomes below 0.00001; TOPMed below 0.00001; gnomAD 0.00001.
gnomAD v4.1: 2 of 1,608,544 alleles (0.00012%); highest among the groups gnomAD compares: Admixed American, 0.0033%; no homozygotes.

Submissions (2):

Ambry Genetics
Classification: Uncertain significance for Inborn genetic diseases. Last evaluated: 2023-03-29. Review status: criteria provided, single submitter. Criteria: Ambry Variant Classification Scheme 2023. Collection method: clinical testing. Allele origin: germline.

GeneDx
Classification: Uncertain significance. Last evaluated: 2017-10-10. Review status: criteria provided, single submitter. Criteria: GeneDx Variant Classification (06012015). Collection method: clinical testing. Allele origin: germline. Affected: yes.
Comment: The E22V variant has not been published as a pathogenic variant, nor has it been reported as a benign variant to our knowledge. The E22V variant is not observed in large population cohorts (Lek et al., 2016). The E22V variant is a non-conservative amino acid substitution, which is likely to impact secondary protein structure as these residues differ in polarity, charge, size and/or other properties. This substitution occurs at a position where amino acids with similar properties to Glutamic acid are tolerated across species; however, Valine is observed at this position in evolution. In silico analysis predicts this variant is probably damaging to the protein structure/function. Therefore, based on the currently available information, it is unclear whether this variant is a pathogenic variant or a rare benign variant.